The following is an entry in ClinVar:

ClinVar aggregate classification (germline): Uncertain significance (1 of 4 stars; one submission).

Conditions:
Charcot-Marie-Tooth disease axonal type 2O. Also called: Charcot-Marie-Tooth disease, axonal, type 20; CHARCOT-MARIE-TOOTH NEUROPATHY, AXONAL, TYPE 2O; CHARCOT-MARIE-TOOTH DISEASE, AXONAL, AUTOSOMAL DOMINANT, TYPE 2O; Charcot-Marie-Tooth Neuropathy Type 2O. Identifiers: Orphanet 284232, MedGen C3280220, MONDO:0013644, OMIM 614228.

Submission:

Labcorp Genetics (formerly Invitae), Labcorp
Classification: Uncertain significance for Charcot-Marie-Tooth disease axonal type 2O. Last evaluated: 2025-11-10. Review status: criteria provided, single submitter. Criteria: Invitae Variant Classification Sherloc (09022015). Collection method: clinical testing. Allele origin: germline.
Comment: This sequence change replaces glutamic acid, which is acidic and polar, with aspartic acid, which is acidic and polar, at codon 1763 of the DYNC1H1 protein (p.Glu1763Asp). This variant is not present in population databases (gnomAD no frequency). This variant has not been reported in the literature in individuals affected with DYNC1H1-related conditions. Invitae Evidence Modeling of protein sequence and biophysical properties (such as structural, functional, and spatial information, amino acid conservation, physicochemical variation, residue mobility, and thermodynamic stability) indicates that this missense variant is not expected to disrupt DYNC1H1 protein function with a negative predictive value of 95%. In summary, the available evidence is currently insufficient to determine the role of this variant in disease. Therefore, it has been classified as a Variant of Uncertain Significance.

NM_001376.5(DYNC1H1):c.5289G>T (p.Glu1763Asp)

Gene: DYNC1H1 (dynein cytoplasmic 1 heavy chain 1; plus strand). Cytogenetic location: 14q32.31.
Variant type: single nucleotide variant.
Coding change: c.5289G>T on transcript NM_001376.5 (MANE Select); coding-DNA position 5289, G replaced by T.
Protein change: p.Glu1763Asp; replaces glutamic acid 1763 with aspartic acid.
Molecular consequence: missense variant.
Genome position (GRCh38, 1-based): chr14:102,005,092, G>T. VCF-style: chr14-102005092-G-T. GRCh37 (hg19) VCF-style: chr14-102471429-G-T.
Other names: short protein forms E1763D.
Identifiers: ClinVar variation 4737702 (VCV004737702.1).